The following is an entry in ClinVar:

NM_000481.4(AMT):c.1042del (p.Thr348fs)

Gene: AMT (aminomethyltransferase; minus strand). Cytogenetic location: 3p21.31.
Variant type: Deletion.
Coding change: c.1042del on transcript NM_000481.4 (MANE Select); coding-DNA position 1042, one base deleted (A; older notation c.1042delA).
Protein change: p.Thr348fs; shifts the reading frame from threonine 348.
Molecular consequence: frameshift variant. On other transcripts: non-coding transcript variant (1).
Genome position (GRCh38, 1-based): chr3:49,417,710, T deleted on the plus strand (A on the coding strand, the reverse complement: AMT is on the minus strand). VCF-style (leftmost placement, unchanged base first): chr3-49417709-GT-G. GRCh37 (hg19) VCF-style: chr3-49455142-GT-G.
Other names: c.910del, p.Thr304fs (NM_001164710.2); c.874del, p.Thr292fs (NM_001164711.2); c.1042del, p.Thr348fs (NM_001164712.2); short protein forms T292fs, T304fs, T348fs.
Identifiers: ClinVar variation 4081728 (VCV004081728.1).

ClinVar aggregate classification (germline): Pathogenic (1 of 4 stars; one submission).

Conditions:
Glycine encephalopathy 2 (GCE2). Identifiers: MedGen C5830559, MONDO:0958192, OMIM 620398.

Submission:

Myriad Genetics, Inc.
Classification: Pathogenic for Glycine encephalopathy 2. Last evaluated: 2025-04-16. Review status: criteria provided, single submitter. Criteria: Myriad Autosomal Dominant, Autosomal Recessive and X-Linked Classification Criteria (2023). Collection method: clinical testing. Allele origin: unknown.
Comment: NM_000481.3(AMT):c.1042delA(T348Lfs*9) is a frameshift variant classified as pathogenic in the context of glycine encephalopathy, AMT-related. T348Lfs*9 has not been observed in cases with relevant disease. Relevant functional assessments of this variant are not available in the literature. T348Lfs*9 has not been observed in referenced population frequency databases. In summary, NM_000481.3(AMT):c.1042delA(T348Lfs*9) is a frameshift variant in a gene where loss of function is a known mechanism of disease and is predicted to disrupt protein function. Please note: this variant was assessed in the context of healthy population screening.